The following is an entry in ClinVar:

NM_147127.5(EVC2):c.3134C>T (p.Ala1045Val)

Gene: EVC2 (EvC ciliary complex subunit 2; minus strand). Cytogenetic location: 4p16.2.
Variant type: single nucleotide variant.
Coding change: c.3134C>T on transcript NM_147127.5 (MANE Select); coding-DNA position 3134, C replaced by T.
Protein change: p.Ala1045Val; replaces alanine 1045 with valine.
Molecular consequence: missense variant.
Genome position (GRCh38, 1-based): chr4:5,576,378, G>A on the plus strand (C>T on the coding strand, the complement: EVC2 is on the minus strand). VCF-style: chr4-5576378-G-A. GRCh37 (hg19) VCF-style: chr4-5578105-G-A.
Other names: c.2894C>T, p.Ala965Val (NM_001166136.2); short protein forms A1045V, A965V.
Identifiers: ClinVar variation 555989 (VCV000555989.6), dbSNP rs750108569, ClinGen allele CA2834437.
Genomic context (GRCh38, chr4:5,576,378, plus strand): 5'-TCCACCTCCCCAGGTTCGTTCAGAATCCCGGGCCCATCGGCCACCCACTGCTGCCAGCTC[G>A]CCAGGGCCTGCTGCTGCTGGGCTGCCTCCTGCTGCACCAGCTGGTCCTCCAGCTTCCTCT-3'
Protein context (NP_667338.3, residues 1035-1055): QEAAQQQQAL[Ala1045Val]SWQQWVADGP

ClinVar aggregate classification (germline): Conflicting classifications of pathogenicity. Review status: criteria provided, conflicting classifications (1 of 4 stars). 3 submissions from 3 submitters: Likely pathogenic (1); Uncertain significance (1). 1 of the submissions does not count toward it. Last evaluated 2026-09-02.

Conditions:
Ellis-van Creveld syndrome (EVC). Also called: Chondroectodermal dysplasia; MESOECTODERMAL DYSPLASIA. Identifiers: Orphanet 289, MedGen C0013903, MONDO:0009162, OMIM 225500.
Curry-Hall syndrome (WAD). Also called: WEYERS ACRODENTAL DYSOSTOSIS. Identifiers: Orphanet 952, MedGen C0457013, MONDO:0008673, OMIM 193530.

Allele frequency attached by ClinVar (database versions not stated): gnomAD exomes 0.00002; TOPMed 0.00002; ExAC 0.00003.
gnomAD v4.1: 17 of 1,613,842 alleles (0.0011%); highest among the groups gnomAD compares: African/African-American, 0.004%; no homozygotes.

Submissions (3):

GeneDx
Classification: Likely pathogenic. Last evaluated: 2026-09-02. Review status: criteria provided, single submitter. Criteria: GeneDx Variant Classification Process June 2021. Collection method: clinical testing. Allele origin: germline.
Comment: In silico analysis suggests that this missense variant does not alter protein structure/function; In silico analysis supports a deleterious effect on splicing; This variant is associated with the following publications: (PMID: 19876929, 17024374)

Labcorp Genetics (formerly Invitae), Labcorp
Classification: Uncertain significance for Curry-Hall syndrome; Ellis-van Creveld syndrome. Last evaluated: 2024-06-28. Review status: criteria provided, single submitter. Criteria: Invitae Variant Classification Sherloc (09022015). Collection method: clinical testing. Allele origin: germline.
Comment: This sequence change replaces alanine, which is neutral and non-polar, with valine, which is neutral and non-polar, at codon 1045 of the EVC2 protein (p.Ala1045Val). This variant is present in population databases (rs750108569, gnomAD 0.007%). This missense change has been observed in individual(s) with autosomal recessive Ellis-van Creveld syndrome (PMID: 17024374). ClinVar contains an entry for this variant (Variation ID: 555989). An algorithm developed to predict the effect of missense changes on protein structure and function (PolyPhen-2) suggests that this variant is likely to be tolerated. Algorithms developed to predict the effect of sequence changes on RNA splicing suggest that this variant may disrupt the consensus splice site. In summary, the available evidence is currently insufficient to determine the role of this variant in disease. Therefore, it has been classified as a Variant of Uncertain Significance.

Counsyl
Classification: Uncertain significance for Ellis-van Creveld syndrome. Last evaluated: 2018-01-08. Review status: no assertion criteria provided. Collection method: clinical testing. Allele origin: unknown. Not counted in ClinVar's aggregate classification.

Literature cited by the submitters: PubMed 17024374 (cited by Labcorp Genetics (formerly Invitae), Labcorp and Counsyl).